The following is an entry in ClinVar:

NM_003002.4(SDHD):c.108G>T (p.Gln36His)

Gene: SDHD (succinate dehydrogenase complex subunit D; plus strand). Cytogenetic location: 11q23.1.
Variant type: single nucleotide variant.
Coding change: c.108G>T on transcript NM_003002.4 (MANE Select); coding-DNA position 108, G replaced by T.
Protein change: p.Gln36His; replaces glutamine 36 with histidine.
Molecular consequence: missense variant. On other transcripts: non-coding transcript variant (1), intron variant (1).
Genome position (GRCh38, 1-based): chr11:112,087,912, G>T. VCF-style: chr11-112087912-G-T. GRCh37 (hg19) VCF-style: chr11-111958636-G-T.
Other names: c.108G>T (NM_003002.2); c.108G>T, p.Gln36His (NM_001276503.2, NM_001276506.2); c.52+953G>T (NM_001276504.2); short protein forms Q36H.
Identifiers: ClinVar variation 950801 (VCV000950801.11), dbSNP rs766884646, ClinGen allele CA070592.

ClinVar aggregate classification (germline): Uncertain significance. Review status: criteria provided, multiple submitters, no conflicts (2 of 4 stars). 3 submissions from 3 submitters: Uncertain significance (3). Last evaluated 2026-02-19.

Conditions:
Hereditary cancer-predisposing syndrome. Also called: Hereditary neoplastic syndrome; Hereditary Cancer Syndrome; Tumor predisposition; Neoplastic Syndromes, Hereditary. Identifiers: Orphanet 140162, MedGen C0027672, MeSH D009386, MONDO:0015356.
Hereditary pheochromocytoma and paraganglioma. Also called: Hereditary pheochromocytoma-paraganglioma; Hereditary Paraganglioma-Pheochromocytoma Syndromes; Hereditary paragangliomas and pheochromocytomas. Identifiers: Orphanet 29072, MedGen C4274332, MONDO:0017366.
Carney-Stratakis syndrome. Also called: PARAGANGLIOMA AND GASTROINTESTINAL STROMAL TUMOR. Identifiers: Orphanet 97286, MedGen C1847319, MONDO:0011740, OMIM 606864.
Pheochromocytoma. Also called: MAX-Related Hereditary Paraganglioma-Pheochromocytoma Syndrome. Identifiers: Orphanet 29072, MedGen C0031511, MONDO:0008233, OMIM 171300, HP:0002666.
Cowden syndrome 3 (CWS3). Identifiers: Orphanet 201, MedGen CN166604, MONDO:0014045.
Paragangliomas with sensorineural hearing loss. Identifiers: MedGen C1868633.

Allele frequency attached by ClinVar (database versions not stated): gnomAD exomes below 0.00001; ExAC 0.00001.
gnomAD v4.1: 1 of 1,613,992 alleles (0.000062%); highest among the groups gnomAD compares: South Asian, 0.0011%; no homozygotes.

Submissions (3):

Ambry Genetics
Classification: Uncertain significance for Hereditary cancer-predisposing syndrome. Last evaluated: 2026-02-19. Review status: criteria provided, single submitter. Criteria: Ambry Variant Classification Scheme 2023. Collection method: clinical testing. Allele origin: germline.
Comment: The p.Q36H variant (also known as c.108G>T), located in coding exon 2 of the SDHD gene, results from a G to T substitution at nucleotide position 108. The glutamine at codon 36 is replaced by histidine, an amino acid with highly similar properties. This amino acid position is conserved. In addition, this alteration is predicted to be deleterious by in silico analysis. Based on the available evidence, the clinical significance of this variant remains unclear.

Labcorp Genetics (formerly Invitae), Labcorp
Classification: Uncertain significance for Carney-Stratakis syndrome; Paragangliomas with sensorineural hearing loss; Pheochromocytoma; Cowden syndrome 3. Last evaluated: 2025-03-16. Review status: criteria provided, single submitter. Criteria: Invitae Variant Classification Sherloc (09022015). Collection method: clinical testing. Allele origin: germline.
Comment: This sequence change replaces glutamine, which is neutral and polar, with histidine, which is basic and polar, at codon 36 of the SDHD protein (p.Gln36His). This variant is present in population databases (rs766884646, gnomAD 0.003%). This variant has not been reported in the literature in individuals affected with SDHD-related conditions. ClinVar contains an entry for this variant (Variation ID: 950801). Invitae Evidence Modeling of protein sequence and biophysical properties (such as structural, functional, and spatial information, amino acid conservation, physicochemical variation, residue mobility, and thermodynamic stability) indicates that this missense variant is not expected to disrupt SDHD protein function with a negative predictive value of 80%. In summary, the available evidence is currently insufficient to determine the role of this variant in disease. Therefore, it has been classified as a Variant of Uncertain Significance.

All of Us Research Program, National Institutes of Health
Classification: Uncertain significance for Hereditary pheochromocytoma and paraganglioma. Last evaluated: 2023-07-19. Review status: criteria provided, single submitter. Criteria: ACMG Guidelines, 2015. Collection method: clinical testing. Allele origin: germline. Inheritance: Autosomal dominant inheritance. Observed: 1 variant allele, 1 heterozygote.
Comment: This missense variant replaces glutamine with histidine at codon 36 of the SDHD protein. Computational prediction is inconclusive regarding the impact of this variant on protein structure and function (internally defined REVEL score threshold 0.5 < inconclusive < 0.7, PMID: 27666373). To our knowledge, functional studies have not been reported for this variant. This variant has not been reported in individuals affected with SDHD-related disorders in the literature. This variant has been identified in 1/251478 chromosomes in the general population by the Genome Aggregation Database (gnomAD). The available evidence is insufficient to determine the role of this variant in disease conclusively. Therefore, this variant is classified as a Variant of Uncertain Significance.

This study involves interpretation of variants in research participants for the purpose of population health screening. Participant phenotype was not available at the time of variant classification. Additional details can be found in publication PMID: 35346344, PMCID: PMC8962531